The following is an entry in ClinVar:

NM_000143.4(FH):c.1309G>C (p.Gly437Arg)

Gene: FH (fumarate hydratase; minus strand). Cytogenetic location: 1q43.
Variant type: single nucleotide variant.
Coding change: c.1309G>C on transcript NM_000143.4 (MANE Select); coding-DNA position 1309, G replaced by C.
Protein change: p.Gly437Arg; replaces glycine 437 with arginine.
Molecular consequence: missense variant.
Genome position (GRCh38, 1-based): chr1:241,500,518, C>G on the plus strand (G>C on the coding strand, the complement: FH is on the minus strand). VCF-style: chr1-241500518-C-G. GRCh37 (hg19) VCF-style: chr1-241663818-C-G.
Other names: short protein forms G437R.
Identifiers: ClinVar variation 2816659 (VCV002816659.4), dbSNP rs2147913185, ClinGen allele CA345436653.

ClinVar aggregate classification (germline): Uncertain significance. Review status: criteria provided, multiple submitters, no conflicts (2 of 4 stars). 2 submissions from 2 submitters: Uncertain significance (2). Last evaluated 2026-01-22.

Conditions:
Hereditary cancer-predisposing syndrome. Also called: Tumor predisposition; Neoplastic Syndromes, Hereditary; Hereditary Cancer Syndrome; Hereditary neoplastic syndrome. Identifiers: Orphanet 140162, MedGen C0027672, MeSH D009386, MONDO:0015356.

Submissions (2):

Ambry Genetics
Classification: Uncertain significance for Hereditary cancer-predisposing syndrome. Last evaluated: 2026-01-22. Review status: criteria provided, single submitter. Criteria: Ambry Variant Classification Scheme 2023. Collection method: clinical testing. Allele origin: germline.
Comment: The p.G437R variant (also known as c.1309G>C), located in coding exon 9 of the FH gene, results from a G to C substitution at nucleotide position 1309. The glycine at codon 437 is replaced by arginine, an amino acid with dissimilar properties. This amino acid position is conserved. In addition, this alteration is predicted to be deleterious by in silico analysis. Based on the available evidence, the clinical significance of this variant remains unclear.

Labcorp Genetics (formerly Invitae), Labcorp
Classification: Uncertain significance. Last evaluated: 2023-01-22. Review status: criteria provided, single submitter. Criteria: Invitae Variant Classification Sherloc (09022015). Collection method: clinical testing. Allele origin: germline.
Comment: In summary, the available evidence is currently insufficient to determine the role of this variant in disease. Therefore, it has been classified as a Variant of Uncertain Significance. Advanced modeling of protein sequence and biophysical properties (such as structural, functional, and spatial information, amino acid conservation, physicochemical variation, residue mobility, and thermodynamic stability) performed at Invitae indicates that this missense variant is expected to disrupt FH protein function. This variant has not been reported in the literature in individuals affected with FH-related conditions. This variant is not present in population databases (gnomAD no frequency). This sequence change replaces glycine, which is neutral and non-polar, with arginine, which is basic and polar, at codon 437 of the FH protein (p.Gly437Arg).